The following is an entry in ClinVar:

NM_032656.4(DHX37):c.3425C>G (p.Ala1142Gly)

Gene: DHX37 (DEAH-box helicase 37; minus strand). Cytogenetic location: 12q24.31.
Variant type: single nucleotide variant.
Coding change: c.3425C>G on transcript NM_032656.4 (MANE Select); coding-DNA position 3425, C replaced by G.
Protein change: p.Ala1142Gly; replaces alanine 1142 with glycine.
Molecular consequence: missense variant.
Genome position (GRCh38, 1-based): chr12:124,947,851, G>C on the plus strand (C>G on the coding strand, the complement: DHX37 is on the minus strand). VCF-style: chr12-124947851-G-C. GRCh37 (hg19) VCF-style: chr12-125432397-G-C.
Other names: c.3425C>G (NM_032656.3); short protein forms A1142G.
Identifiers: ClinVar variation 1678357 (VCV001678357.6), dbSNP rs138514515, ClinGen allele CA6871195.

ClinVar aggregate classification (germline): Uncertain significance. Review status: criteria provided, multiple submitters, no conflicts (2 of 4 stars). 3 submissions from 3 submitters: Uncertain significance (3). Last evaluated 2025-05-07.

Conditions:
Inborn genetic diseases. Identifiers: MedGen C0950123, MeSH D030342.

Allele frequency attached by ClinVar (database versions not stated): gnomAD exomes 0.00001 and 0.00004; ExAC 0.00004; gnomAD 0.00011 and 0.00015; TOPMed 0.00020; ESP Exome Variant Server 0.00023.
gnomAD v4.1: 35 of 1,608,406 alleles (0.0022%); highest among the groups gnomAD compares: African/African-American, 0.035%; no homozygotes.

Submissions (3):

GeneDx
Classification: Uncertain significance. Last evaluated: 2025-05-07. Review status: criteria provided, single submitter. Criteria: GeneDx Variant Classification Process June 2021. Collection method: clinical testing. Allele origin: germline. Affected: yes.
Comment: In silico analysis suggests that this missense variant does not alter protein structure/function; Has not been previously published as pathogenic or benign to our knowledge

Ambry Genetics
Classification: Uncertain significance for Inborn genetic diseases. Last evaluated: 2024-09-27. Review status: criteria provided, single submitter. Criteria: Ambry Variant Classification Scheme 2023. Collection method: clinical testing. Allele origin: germline.

AiLife Diagnostics
Classification: Uncertain significance. Last evaluated: 2021-03-12. Review status: criteria provided, single submitter. Criteria: ACMG Guidelines, 2015. Collection method: clinical testing. Allele origin: germline. Affected: yes. Observed: 1 variant allele.